The following is an entry in ClinVar:

ClinVar aggregate classification (germline): Uncertain significance (1 of 4 stars; one submission).

Conditions:
Ehlers-Danlos syndrome, classic type, 1 (EDSCL1). Also called: EHLERS-DANLOS SYNDROME, GRAVIS TYPE; EHLERS-DANLOS SYNDROME, SEVERE CLASSIC TYPE; Ehlers-Danlos syndrome, type 1; Ehlers-Danlos Syndrome, Classic Type, COL5A1-Related; EDS I. Identifiers: MedGen C0268335, MONDO:0019567, OMIM 130000.

Submission:

Labcorp Genetics (formerly Invitae), Labcorp
Classification: Uncertain significance for Ehlers-Danlos syndrome, classic type, 1. Last evaluated: 2025-01-16. Review status: criteria provided, single submitter. Criteria: Invitae Variant Classification Sherloc (09022015). Collection method: clinical testing. Allele origin: germline.
Comment: This sequence change replaces proline, which is neutral and non-polar, with serine, which is neutral and polar, at codon 1046 of the COL5A2 protein (p.Pro1046Ser). This variant is not present in population databases (gnomAD no frequency). This variant has not been reported in the literature in individuals affected with COL5A2-related conditions. Invitae Evidence Modeling of protein sequence and biophysical properties (such as structural, functional, and spatial information, amino acid conservation, physicochemical variation, residue mobility, and thermodynamic stability) indicates that this missense variant is not expected to disrupt COL5A2 protein function with a negative predictive value of 80%. In summary, the available evidence is currently insufficient to determine the role of this variant in disease. Therefore, it has been classified as a Variant of Uncertain Significance.

NM_000393.5(COL5A2):c.3136C>T (p.Pro1046Ser)

Gene: COL5A2 (collagen type V alpha 2 chain; minus strand). Cytogenetic location: 2q32.2.
Variant type: single nucleotide variant.
Coding change: c.3136C>T on transcript NM_000393.5 (MANE Select); coding-DNA position 3136, C replaced by T.
Protein change: p.Pro1046Ser; replaces proline 1046 with serine.
Molecular consequence: missense variant.
Genome position (GRCh38, 1-based): chr2:189,049,358, G>A on the plus strand (C>T on the coding strand, the complement: COL5A2 is on the minus strand). VCF-style: chr2-189049358-G-A. GRCh37 (hg19) VCF-style: chr2-189914084-G-A.
Other names: short protein forms P1046S.
Identifiers: ClinVar variation 3704968 (VCV003704968.2).